The following is an entry in ClinVar:

ClinVar aggregate classification (germline): Uncertain significance (1 of 4 stars; one submission).

Allele frequency attached by ClinVar (database versions not stated): gnomAD exomes below 0.00001.
gnomAD v4.1: 3 of 1,605,334 alleles (0.00019%); highest among the groups gnomAD compares: Non-Finnish European, 0.00026%; no homozygotes.

Submission:

Labcorp Genetics (formerly Invitae), Labcorp
Classification: Uncertain significance. Last evaluated: 2023-02-11. Review status: criteria provided, single submitter. Criteria: Invitae Variant Classification Sherloc (09022015). Collection method: clinical testing. Allele origin: germline.
Comment: In summary, the available evidence is currently insufficient to determine the role of this variant in disease. Therefore, it has been classified as a Variant of Uncertain Significance. Advanced modeling of protein sequence and biophysical properties (such as structural, functional, and spatial information, amino acid conservation, physicochemical variation, residue mobility, and thermodynamic stability) performed at Invitae indicates that this missense variant is expected to disrupt SLC12A6 protein function. This variant has not been reported in the literature in individuals affected with SLC12A6-related conditions. This variant is not present in population databases (gnomAD no frequency). This sequence change replaces leucine, which is neutral and non-polar, with serine, which is neutral and polar, at codon 206 of the SLC12A6 protein (p.Leu206Ser).

NM_001365088.1(SLC12A6):c.617T>C (p.Leu206Ser)

Gene: SLC12A6 (solute carrier family 12 member 6; minus strand). Cytogenetic location: 15q14.
Variant type: single nucleotide variant.
Coding change: c.617T>C on transcript NM_001365088.1 (MANE Select); coding-DNA position 617, T replaced by C.
Protein change: p.Leu206Ser; replaces leucine 206 with serine.
Molecular consequence: missense variant.
Genome position (GRCh38, 1-based): chr15:34,257,715, A>G on the plus strand (T>C on the coding strand, the complement: SLC12A6 is on the minus strand). VCF-style: chr15-34257715-A-G. GRCh37 (hg19) VCF-style: chr15-34549916-A-G.
Other names: c.440T>C, p.Leu147Ser (NM_001042494.2, NM_001042495.2); c.590T>C, p.Leu197Ser (NM_001042496.2); c.572T>C, p.Leu191Ser (NM_001042497.2); c.464T>C, p.Leu155Ser (NM_005135.2); c.617T>C, p.Leu206Ser (NM_133647.2); short protein forms L147S, L206S, L155S, L191S, L197S.
Identifiers: ClinVar variation 2836187 (VCV002836187.3), dbSNP rs2509832665, ClinGen allele CA391612767.